The following is an entry in ClinVar:

ClinVar aggregate classification (germline): Uncertain significance (1 of 4 stars; one submission).

Conditions:
Duchenne muscular dystrophy (DMD). Also called: MUSCULAR DYSTROPHY, PSEUDOHYPERTROPHIC PROGRESSIVE, DUCHENNE TYPE; Duchenne Muscular Dystrophy (DMD). Identifiers: Orphanet 98896, MedGen C0013264, MONDO:0010679, OMIM 310200.

gnomAD v4.1: 4 of 1,210,590 alleles (0.00033%); highest among the groups gnomAD compares: East Asian, 0.0089%; no homozygotes.

Submission:

Labcorp Genetics (formerly Invitae), Labcorp
Classification: Uncertain significance for Duchenne muscular dystrophy. Last evaluated: 2021-11-17. Review status: criteria provided, single submitter. Criteria: Invitae Variant Classification Sherloc (09022015). Collection method: clinical testing. Allele origin: germline.
Comment: This sequence change replaces proline, which is neutral and non-polar, with arginine, which is basic and polar, at codon 3668 of the DMD protein (p.Pro3668Arg). This variant is not present in population databases (gnomAD no frequency). This variant has not been reported in the literature in individuals affected with DMD-related conditions. Algorithms developed to predict the effect of missense changes on protein structure and function are either unavailable or do not agree on the potential impact of this missense change (SIFT: "Tolerated"; PolyPhen-2: "Possibly Damaging"; Align-GVGD: "Class C0"). In summary, the available evidence is currently insufficient to determine the role of this variant in disease. Therefore, it has been classified as a Variant of Uncertain Significance.

NM_004006.3(DMD):c.11003C>G (p.Pro3668Arg)

Gene: DMD (dystrophin; minus strand). Cytogenetic location: Xp21.2.
Variant type: single nucleotide variant.
Coding change: c.11003C>G on transcript NM_004006.3 (MANE Select); coding-DNA position 11003, C replaced by G.
Protein change: p.Pro3668Arg; replaces proline 3668 with arginine.
Molecular consequence: missense variant.
Genome position (GRCh38, 1-based): chrX:31,134,113, G>C on the plus strand (C>G on the coding strand, the complement: DMD is on the minus strand). VCF-style: chrX-31134113-G-C. GRCh37 (hg19) VCF-style: chrX-31152230-G-C.
Other names: c.10979C>G, p.Pro3660Arg (NM_000109.4); c.10991C>G, p.Pro3664Arg (NM_004009.3); c.10634C>G, p.Pro3545Arg (NM_004010.3); c.6980C>G, p.Pro2327Arg (NM_004011.4); c.6971C>G, p.Pro2324Arg (NM_004012.4); c.3623C>G, p.Pro1208Arg (NM_004013.3, NM_004021.3); c.2816C>G, p.Pro939Arg (NM_004014.3); c.1799C>G, p.Pro600Arg (NM_004015.3, NM_004016.3); and 3 more; short protein forms P1195R, P939R, P1098R, P1208R, P3660R, P3664R, P587R, P2327R.
Identifiers: ClinVar variation 1417940 (VCV001417940.3), dbSNP rs2147774126, ClinGen allele CA412648082.